The following is an entry in ClinVar:

NM_001498.4(GCLC):c.323A>G (p.Gln108Arg)

Gene: GCLC (glutamate-cysteine ligase catalytic subunit; minus strand). Cytogenetic location: 6p12.1.
Variant type: single nucleotide variant.
Coding change: c.323A>G on transcript NM_001498.4 (MANE Select); coding-DNA position 323, A replaced by G.
Protein change: p.Gln108Arg; replaces glutamine 108 with arginine.
Molecular consequence: missense variant.
Genome position (GRCh38, 1-based): chr6:53,520,901, T>C on the plus strand (A>G on the coding strand, the complement: GCLC is on the minus strand). VCF-style: chr6-53520901-T-C. GRCh37 (hg19) VCF-style: chr6-53385699-T-C.
Other names: p.Gln108Arg; c.323A>G (NM_001498.3); c.323A>G, p.Gln108Arg (NM_001197115.2); short protein forms Q108R.
Identifiers: ClinVar variation 4541172 (VCV004541172.1).
Genomic context (GRCh38, chr6:53,520,901, plus strand): 5'-CGGCGTTTTCGCATGTTGGCCTCAACTGTATTGAACTCGGACATTGTTCCTCCGTAGGGC[T>C]GTCCTGGTGTCCCTTCAATCATGTAACTCCCATACTCTGGTCTCCAAAGGGTAGGATGGC-3'
Protein context (NP_001489.1, residues 98-118): GSYMIEGTPG[Gln108Arg]PYGGTMSEFN

ClinVar aggregate classification (germline): Uncertain significance. Review status: criteria provided, multiple submitters, no conflicts (2 of 4 stars). 2 submissions from 2 submitters: Uncertain significance (2). Last evaluated 2025-12-09.

Conditions:
Inborn genetic diseases. Identifiers: MedGen C0950123, MeSH D030342.

Submissions (2):

Ambry Genetics
Classification: Uncertain significance for Inborn genetic diseases. Last evaluated: 2025-12-09. Review status: criteria provided, single submitter. Criteria: Ambry Variant Classification Scheme 2023. Collection method: clinical testing. Allele origin: germline.

Mayo Clinic Laboratories, Mayo Clinic
Classification: Uncertain significance. Last evaluated: 2025-07-29. Review status: criteria provided, single submitter. Criteria: ACMG Guidelines, 2015. Collection method: clinical testing. Allele origin: germline. Observed: 1 variant allele.
Comment: PM2_supporting